The following is an entry in ClinVar:

NM_016216.4(DBR1):c.198-1G>C

Gene: DBR1 (debranching RNA lariats 1; minus strand). Cytogenetic location: 3q22.3.
Variant type: single nucleotide variant.
Coding change: c.198-1G>C on transcript NM_016216.4 (MANE Select); the canonical splice acceptor site of the intron before coding-DNA position 198, G replaced by C.
Molecular consequence: splice acceptor variant.
Genome position (GRCh38, 1-based): chr3:138,173,627, C>G on the plus strand (G>C on the coding strand, the complement: DBR1 is on the minus strand). VCF-style: chr3-138173627-C-G. GRCh37 (hg19) VCF-style: chr3-137892469-C-G.
Identifiers: ClinVar variation 2859346 (VCV002859346.2), dbSNP rs768848054, ClinGen allele CA2635944.
Genomic context (GRCh38, chr3:138,173,627, plus strand): 5'-TCATGGTTTCCCCCAATGAAGAGCGTGAGAACTGGAGCCTTTTTCTCTCCAGAGTAATAC[C>G]TAGAACATAAGAGCAAAGTCAGTTACCACAATTAGGCATAGCAGAAAAGCAAATAAGTTC-3'

ClinVar aggregate classification (germline): Uncertain significance (1 of 4 stars; one submission).

Allele frequency attached by ClinVar (database versions not stated): gnomAD exomes below 0.00001; ExAC 0.00001; gnomAD 0.00001; TOPMed 0.00003.
gnomAD v4.1: 3 of 1,611,412 alleles (0.00019%); highest among the groups gnomAD compares: Admixed American, 0.0017%; no homozygotes.

Submission:

Labcorp Genetics (formerly Invitae), Labcorp
Classification: Uncertain significance. Last evaluated: 2024-01-03. Review status: criteria provided, single submitter. Criteria: Invitae Variant Classification Sherloc (09022015). Collection method: clinical testing. Allele origin: germline.
Comment: This sequence change affects an acceptor splice site in intron 1 of the DBR1 gene. It is expected to disrupt RNA splicing. Variants that disrupt the donor or acceptor splice site typically lead to a loss of protein function (PMID: 16199547), however the current clinical and genetic evidence is not sufficient to establish whether loss-of-function variants in DBR1 cause disease. This variant is present in population databases (rs768848054, gnomAD 0.007%). This variant has not been reported in the literature in individuals affected with DBR1-related conditions. Algorithms developed to predict the effect of sequence changes on RNA splicing suggest that this variant may disrupt the consensus splice site. In summary, the available evidence is currently insufficient to determine the role of this variant in disease. Therefore, it has been classified as a Variant of Uncertain Significance.

Literature cited by the submitters: PubMed 16199547.